The following is an entry in ClinVar:

ClinVar aggregate classification (germline): Uncertain significance (1 of 4 stars; one submission).

Submission:

Labcorp Genetics (formerly Invitae), Labcorp
Classification: Uncertain significance. Last evaluated: 2023-02-21. Review status: criteria provided, single submitter. Criteria: Invitae Variant Classification Sherloc (09022015). Collection method: clinical testing. Allele origin: germline.
Comment: This sequence change creates a premature translational stop signal (p.Ser255Lysfs*29) in the NFE2L2 gene. While this is not anticipated to result in nonsense mediated decay, it is expected to disrupt the last 351 amino acid(s) of the NFE2L2 protein. This variant is not present in population databases (gnomAD no frequency). This variant has not been reported in the literature in individuals affected with NFE2L2-related conditions. Experimental studies and prediction algorithms are not available or were not evaluated, and the functional significance of this variant is currently unknown. In summary, the available evidence is currently insufficient to determine the role of this variant in disease. Therefore, it has been classified as a Variant of Uncertain Significance.

NM_006164.5(NFE2L2):c.763dup (p.Ser255fs)

Gene: NFE2L2 (NFE2 like bZIP transcription factor 2; minus strand). Cytogenetic location: 2q31.2.
Variant type: Duplication.
Coding change: c.763dup on transcript NM_006164.5 (MANE Select); coding-DNA position 763, one base duplicated (A; older notation c.763dupA).
Protein change: p.Ser255fs; shifts the reading frame from serine 255.
Molecular consequence: frameshift variant.
Genome position (GRCh38, 1-based): chr2:177,231,840, T duplicated on the plus strand (A on the coding strand, the reverse complement: NFE2L2 is on the minus strand). VCF-style (leftmost placement, unchanged base first): chr2-177231839-C-CT. GRCh37 (hg19) VCF-style: chr2-178096567-C-CT.
Other names: c.715dup, p.Ser239fs (NM_001145412.3, NM_001313900.1, NM_001313901.1); c.694dup, p.Ser232fs (NM_001145413.3); c.673dup, p.Ser225fs (NM_001313902.2); c.544dup, p.Ser182fs (NM_001313903.2); c.463dup, p.Ser155fs (NM_001313904.1); short protein forms S225fs, S239fs, S232fs, S182fs, S255fs, S155fs.
Identifiers: ClinVar variation 2839603 (VCV002839603.3), dbSNP rs2468286988, ClinGen allele CA2739271684.
Genomic context (GRCh38, chr2:177,231,839, plus strand): 5'-GCATCTGAATTTAATGAGTTCACTGTCAACTGGTTGGGGTCTTCTGTGGAGAGGATGCTG[C>CT]TGAAGGAATCCTCAAAAGCATTAAGAAAATGTGGACTACAGTTACCTACTTCTTTTTCCA-3'